The following is an entry in ClinVar:

ClinVar aggregate classification (germline): Likely benign. Review status: criteria provided, multiple submitters, no conflicts (2 of 4 stars). 2 submissions from 2 submitters: Likely benign (2). Last evaluated 2026-01-12.

Conditions:
KCNQ4-related disorder. Also called: KCNQ4-related condition.

gnomAD v4.1: 1 of 1,066,698 alleles (0.000094%); highest among the groups gnomAD compares: Non-Finnish European, 0.00011%; no homozygotes.

Submissions (2):

Labcorp Genetics (formerly Invitae), Labcorp
Classification: Likely benign. Last evaluated: 2026-01-12. Review status: criteria provided, single submitter. Criteria: Invitae Variant Classification Sherloc (09022015). Collection method: clinical testing. Allele origin: germline.

PreventionGenetics, part of Exact Sciences
Classification: Likely benign for KCNQ4-related condition. Last evaluated: 2025-11-25. Review status: criteria provided, single submitter. Criteria: ACMG Guidelines, 2015. Collection method: clinical testing. Allele origin: germline.
Comment: This variant is classified as likely benign based on ACMG/AMP sequence variant interpretation guidelines (Richards et al. 2015 PMID: 25741868, with internal and published modifications).

NM_004700.4(KCNQ4):c.63G>A (p.Ala21=)

Gene: KCNQ4 (potassium voltage-gated channel subfamily Q member 4; plus strand). Cytogenetic location: 1p34.2.
Variant type: single nucleotide variant.
Coding change: c.63G>A on transcript NM_004700.4 (MANE Select); coding-DNA position 63, G replaced by A.
Protein change: p.Ala21=; no amino-acid change (alanine 21 retained).
Molecular consequence: synonymous variant.
Genome position (GRCh38, 1-based): chr1:40,784,156, G>A. VCF-style: chr1-40784156-G-A. GRCh37 (hg19) VCF-style: chr1-41249828-G-A.
Other names: c.63G>A, p.Ala21= (NM_172163.3); c.63G>A (NM_004700.3).
Identifiers: ClinVar variation 4705214 (VCV004705214.2).
Genomic context (GRCh38, chr1:40,784,156, plus strand): 5'-GGCCGAGGCCCCCCCGCGCCGCCTCGGCCTGGGTCCCCCGCCCGGGGACGCCCCCCGCGC[G>A]GAGCTAGTGGCGCTCACGGCCGTGCAGAGCGAACAGGGCGAGGCGGGCGGGGGCGGCTCC-3'
Protein context (NP_004691.2, residues 11-31): LGPPPGDAPR[Ala21=]ELVALTAVQS